The following is an entry in ClinVar:

NM_001142416.2(AIMP1):c.441_442insTT (p.Lys148fs)

Gene: AIMP1 (aminoacyl tRNA synthetase complex interacting multifunctional protein 1; plus strand). Cytogenetic location: 4q24.
Variant type: Insertion.
Coding change: c.441_442insTT on transcript NM_001142416.2 (MANE Select); coding-DNA positions 441 to 442, TT inserted.
Protein change: p.Lys148fs; shifts the reading frame from lysine 148.
Molecular consequence: frameshift variant.
Genome position: GRCh38 VCF-style: chr4-106331720-C-CTT. GRCh37 (hg19) VCF-style: chr4-107252877-C-CTT.
Other names: c.441_442insTT, p.Lys148fs (NM_001142415.2, NM_004757.4); short protein forms K148fs.
Identifiers: ClinVar variation 4813746 (VCV004813746.1).
Genomic context (GRCh38, chr4:106,331,720, plus strand): 5'-AATACTTTTTAGGAGAGAAGAAGGAGAAAAAACAGCAATCAATAGCTGGAAGTGCCGACT[C>CTT]TAAGCCAATAGATGTTTCCCGTCTGGATCTTCGAATTGGTTGCATCATAACTGCTAGAAA-3'

ClinVar aggregate classification (germline): Likely pathogenic (1 of 4 stars; one submission).

Conditions:
Leukodystrophy, hypomyelinating, 3. Identifiers: Orphanet 280270, Orphanet 280293, MedGen C1850053, MONDO:0009843, OMIM 260600.

Submission:

Variantyx, Inc.
Classification: Likely pathogenic for Leukodystrophy, hypomyelinating, 3. Last evaluated: 2025-04-07. Review status: criteria provided, single submitter. Criteria: Variantyx Assertion Criteria 2022. Collection method: clinical testing. Allele origin: germline. Inheritance: Autosomal recessive inheritance.
Comment: This is a frameshift variant in the AIMP1 gene (OMIM: 603605). Pathogenic variants in this gene have been associated with autosomal recessive hypomyelinating leukodystrophy 3. This variant introduces a premature termination codon in exon 5 out of 7 and is expected to result in loss of function, which is a known disease mechanism for AIMP1 in this disorder (PMID: 30486714) (PVS1). This variant is absent from control populations (PM2). Based on the current evidence, this variant is classified as likely pathogenic for autosomal recessive hypomyelinating leukodystrophy 3.

Literature cited by the submitters: PubMed 30486714.